The following is an entry in ClinVar:

ClinVar aggregate classification (germline): Uncertain significance (1 of 4 stars; one submission).

Conditions:
Developmental and epileptic encephalopathy 94 (DEE94). Also called: Epileptic encephalopathy, childhood-onset; CHD2-Related Neurodevelopmental Disorders. Identifiers: Orphanet 1942, Orphanet 2382, MedGen C3809278, MONDO:0014150, OMIM 615369.

Submission:

Labcorp Genetics (formerly Invitae), Labcorp
Classification: Uncertain significance for Developmental and epileptic encephalopathy 94. Last evaluated: 2023-10-23. Review status: criteria provided, single submitter. Criteria: Invitae Variant Classification Sherloc (09022015). Collection method: clinical testing. Allele origin: germline.
Comment: This sequence change replaces serine, which is neutral and polar, with arginine, which is basic and polar, at codon 1122 of the CHD2 protein (p.Ser1122Arg). This variant is not present in population databases (gnomAD no frequency). This variant has not been reported in the literature in individuals affected with CHD2-related conditions. Advanced modeling of protein sequence and biophysical properties (such as structural, functional, and spatial information, amino acid conservation, physicochemical variation, residue mobility, and thermodynamic stability) performed at Invitae indicates that this missense variant is not expected to disrupt CHD2 protein function with a negative predictive value of 95%. In summary, the available evidence is currently insufficient to determine the role of this variant in disease. Therefore, it has been classified as a Variant of Uncertain Significance.

NM_001271.4(CHD2):c.3366T>A (p.Ser1122Arg)

Gene: CHD2 (chromodomain helicase DNA binding protein 2; plus strand). Cytogenetic location: 15q26.1.
Variant type: single nucleotide variant.
Coding change: c.3366T>A on transcript NM_001271.4 (MANE Select); coding-DNA position 3366, T replaced by A.
Protein change: p.Ser1122Arg; replaces serine 1122 with arginine.
Molecular consequence: missense variant.
Genome position (GRCh38, 1-based): chr15:92,985,626, T>A. VCF-style: chr15-92985626-T-A. GRCh37 (hg19) VCF-style: chr15-93528856-T-A.
Other names: short protein forms S1122R.
Identifiers: ClinVar variation 2736438 (VCV002736438.3), dbSNP rs781574098, ClinGen allele CA393895763.